The following is an entry in ClinVar:

ClinVar aggregate classification (germline): Uncertain significance (1 of 4 stars; one submission).

Conditions:
DMXL2-related disorder. Also called: DMXL2-related condition.

Allele frequency attached by ClinVar (database versions not stated): TOPMed below 0.00001.
gnomAD v4.1: 7 of 1,613,772 alleles (0.00043%); highest among the groups gnomAD compares: East Asian, 0.0045%; no homozygotes.

Submission:

PreventionGenetics, part of Exact Sciences
Classification: Uncertain significance for DMXL2-related condition. Last evaluated: 2023-06-29. Review status: criteria provided, single submitter. Criteria: ACMG Guidelines, 2015. Collection method: clinical testing. Allele origin: germline.
Comment: The DMXL2 c.979G>C variant is predicted to result in the amino acid substitution p.Val327Leu. To our knowledge, this variant has not been reported in the literature or in a large population database, indicating this variant is rare. At this time, the clinical significance of this variant is uncertain due to the absence of conclusive functional and genetic evidence.

NM_001378457.1(DMXL2):c.979G>C (p.Val327Leu)

Gene: DMXL2 (Dmx like 2; minus strand). Cytogenetic location: 15q21.2.
Variant type: single nucleotide variant.
Coding change: c.979G>C on transcript NM_001378457.1 (MANE Select); coding-DNA position 979, G replaced by C.
Protein change: p.Val327Leu; replaces valine 327 with leucine.
Molecular consequence: missense variant. On other transcripts: non-coding transcript variant (2).
Genome position (GRCh38, 1-based): chr15:51,542,459, C>G on the plus strand (G>C on the coding strand, the complement: DMXL2 is on the minus strand). VCF-style: chr15-51542459-C-G. GRCh37 (hg19) VCF-style: chr15-51834656-C-G.
Other names: c.979G>C, p.Val327Leu (NM_001174116.3, NM_001174117.3, NM_001378458.1 and 7 more transcripts); short protein forms V327L.
Identifiers: ClinVar variation 2635885 (VCV002635885.1), dbSNP rs887096747, ClinGen allele CA270611989.